The following is an entry in ClinVar:

NM_000127.3(EXT1):c.17G>C (p.Arg6Pro)

Gene: EXT1 (exostosin glycosyltransferase 1; minus strand). Cytogenetic location: 8q24.11.
Variant type: single nucleotide variant.
Coding change: c.17G>C on transcript NM_000127.3 (MANE Select); coding-DNA position 17, G replaced by C.
Protein change: p.Arg6Pro; replaces arginine 6 with proline.
Molecular consequence: missense variant.
Genome position (GRCh38, 1-based): chr8:118,111,030, C>G on the plus strand (G>C on the coding strand, the complement: EXT1 is on the minus strand). VCF-style: chr8-118111030-C-G. GRCh37 (hg19) VCF-style: chr8-119123269-C-G.
Other names: short protein forms R6P.
Identifiers: ClinVar variation 2910222 (VCV002910222.3), dbSNP rs200815125, ClinGen allele CA371916774.

ClinVar aggregate classification (germline): Uncertain significance (1 of 4 stars; one submission).

Conditions:
Multiple congenital exostosis (EXT). Also called: Hereditary multiple exostoses; Hereditary multiple exostosis; Multiple osteochondromas; MULTIPLE CARTILAGINOUS EXOSTOSES; Multiple exostoses; Hereditary multiple osteochondromas. Identifiers: Orphanet 321, MedGen C0015306, MONDO:0005508, HP:0002762.

gnomAD v4.1: 6 of 1,598,248 alleles (0.00038%); highest among the groups gnomAD compares: Non-Finnish European, 0.00042%; no homozygotes.

Submission:

Labcorp Genetics (formerly Invitae), Labcorp
Classification: Uncertain significance for Multiple congenital exostosis. Last evaluated: 2023-09-15. Review status: criteria provided, single submitter. Criteria: Invitae Variant Classification Sherloc (09022015). Collection method: clinical testing. Allele origin: germline.
Comment: In summary, the available evidence is currently insufficient to determine the role of this variant in disease. Therefore, it has been classified as a Variant of Uncertain Significance. Advanced modeling of protein sequence and biophysical properties (such as structural, functional, and spatial information, amino acid conservation, physicochemical variation, residue mobility, and thermodynamic stability) performed at Invitae indicates that this missense variant is expected to disrupt EXT1 protein function. This variant has not been reported in the literature in individuals affected with EXT1-related conditions. This variant is present in population databases (no rsID available, gnomAD 0.008%). This sequence change replaces arginine, which is basic and polar, with proline, which is neutral and non-polar, at codon 6 of the EXT1 protein (p.Arg6Pro).